The following is an entry in ClinVar:

ClinVar aggregate classification (germline): Pathogenic (1 of 4 stars; one submission).

Conditions:
VPS13A-related neurodegenerative disease. Also called: ACANTHOCYTOSIS WITH NEUROLOGIC DISORDER; LEVINE-CRITCHLEY SYNDROME; Choreoacanthocytosis; Chorea-acanthocytosis; Choreaacanthocytosis; VPS13A Disease. Identifiers: Orphanet 2388, MedGen C0393576, MONDO:0008695, OMIM 200150.

gnomAD v4.1: 1 of 1,613,546 alleles (0.000062%); no homozygotes.

Submission:

Myriad Genetics, Inc.
Classification: Pathogenic for VPS13A-related neurodegenerative disease. Last evaluated: 2024-05-14. Review status: criteria provided, single submitter. Criteria: Myriad Autosomal Dominant, Autosomal Recessive and X-Linked Classification Criteria (2023). Collection method: clinical testing. Allele origin: unknown.
Comment: NM_033305.2(VPS13A):c.5920G>T(E1974*) is expected to be pathogenic in the context of VPS13A disease. This variant is predicted to lead to an abnormal or absent protein product due to the creation of a premature termination codon in VPS13A, a gene where loss-of-function variants are known to be pathogenic. Please note: this variant was assessed in the context of healthy population screening.

NM_033305.3(VPS13A):c.5920G>T (p.Glu1974Ter)

Gene: VPS13A (vacuolar protein sorting 13 homolog A; plus strand). Cytogenetic location: 9q21.2.
Variant type: single nucleotide variant.
Coding change: c.5920G>T on transcript NM_033305.3 (MANE Select); coding-DNA position 5920, G replaced by T.
Protein change: p.Glu1974Ter; replaces glutamic acid 1974 with a stop codon.
Molecular consequence: nonsense.
Genome position (GRCh38, 1-based): chr9:77,323,156, G>T. VCF-style: chr9-77323156-G-T. GRCh37 (hg19) VCF-style: chr9-79938072-G-T.
Other names: c.5803G>T, p.Glu1935Ter (NM_001018037.2); c.5920G>T, p.Glu1974Ter (NM_001018038.3, NM_015186.4); short protein forms E1935*, E1974*.
Identifiers: ClinVar variation 5011310 (VCV005011310.1).